The following is an entry in ClinVar:

NM_001142864.4(PIEZO1):c.6365T>G (p.Met2122Arg)

Gene: PIEZO1 (piezo type mechanosensitive ion channel component 1 (Er blood group); minus strand). Cytogenetic location: 16q24.3.
Variant type: single nucleotide variant.
Coding change: c.6365T>G on transcript NM_001142864.4 (MANE Select); coding-DNA position 6365, T replaced by G.
Protein change: p.Met2122Arg; replaces methionine 2122 with arginine.
Molecular consequence: missense variant.
Genome position (GRCh38, 1-based): chr16:88,719,680, A>C on the plus strand (T>G on the coding strand, the complement: PIEZO1 is on the minus strand). VCF-style: chr16-88719680-A-C. GRCh37 (hg19) VCF-style: chr16-88786088-A-C.
Other names: short protein forms M2122R.
Identifiers: ClinVar variation 4535805 (VCV004535805.1).

ClinVar aggregate classification (germline): Uncertain significance (1 of 4 stars; one submission).

gnomAD v4.1: 1 of 1,552,902 alleles (0.000064%); highest among the groups gnomAD compares: African/African-American, 0.0014%; no homozygotes.

Submission:

Women's Health and Genetics/Laboratory Corporation of America, LabCorp
Classification: Uncertain significance. Last evaluated: 2025-09-04. Review status: criteria provided, single submitter. Criteria: LabCorp Variant Classification Summary - May 2015. Collection method: clinical testing. Allele origin: germline.
Comment: Variant summary: PIEZO1 c.6365T>G (p.Met2122Arg) results in a non-conservative amino acid change in the encoded protein sequence. Algorithms developed to predict the effect of missense changes on protein structure and function all suggest that this variant is likely to be disruptive. The variant was absent in 162164 control chromosomes. The available data on variant occurrences in the general population are insufficient to allow any conclusion about variant significance. To our knowledge, no occurrence of c.6365T>G in individuals affected with PIEZO1-related conditions and no experimental evidence demonstrating its impact on protein function have been reported. No submitters have cited clinical-significance assessments for this variant to ClinVar. Based on the evidence outlined above, the variant was classified as uncertain significance.